The following is an entry in ClinVar:

ClinVar aggregate classification (germline): Uncertain significance (1 of 4 stars; one submission).

Conditions:
Hajdu-Cheney syndrome (HJCYS). Also called: ACROOSTEOLYSIS WITH OSTEOPOROSIS AND CHANGES IN SKULL AND MANDIBLE; Acroosteolysis dominant type; SERPENTINE FIBULA-POLYCYSTIC KIDNEY SYNDROME. Identifiers: Orphanet 955, MedGen C0917715, MONDO:0007057, OMIM 102500.

Allele frequency attached by ClinVar (database versions not stated): gnomAD exomes below 0.00001; TOPMed below 0.00001.
gnomAD v4.1: 1 of 1,614,172 alleles (0.000062%); highest among the groups gnomAD compares: African/African-American, 0.0013%; no homozygotes.

Submission:

Labcorp Genetics (formerly Invitae), Labcorp
Classification: Uncertain significance for Hajdu-Cheney syndrome. Last evaluated: 2025-02-16. Review status: criteria provided, single submitter. Criteria: Invitae Variant Classification Sherloc (09022015). Collection method: clinical testing. Allele origin: germline.
Comment: This sequence change replaces proline, which is neutral and non-polar, with leucine, which is neutral and non-polar, at codon 1233 of the NOTCH2 protein (p.Pro1233Leu). This variant is not present in population databases (gnomAD no frequency). This variant has not been reported in the literature in individuals affected with NOTCH2-related conditions. ClinVar contains an entry for this variant (Variation ID: 1523050). Invitae Evidence Modeling of protein sequence and biophysical properties (such as structural, functional, and spatial information, amino acid conservation, physicochemical variation, residue mobility, and thermodynamic stability) indicates that this missense variant is not expected to disrupt NOTCH2 protein function with a negative predictive value of 80%. In summary, the available evidence is currently insufficient to determine the role of this variant in disease. Therefore, it has been classified as a Variant of Uncertain Significance.

NM_024408.4(NOTCH2):c.3698C>T (p.Pro1233Leu)

Gene: NOTCH2 (notch receptor 2; minus strand). Cytogenetic location: 1p12.
Variant type: single nucleotide variant.
Coding change: c.3698C>T on transcript NM_024408.4 (MANE Select); coding-DNA position 3698, C replaced by T.
Protein change: p.Pro1233Leu; replaces proline 1233 with leucine.
Molecular consequence: missense variant.
Genome position (GRCh38, 1-based): chr1:119,929,170, G>A on the plus strand (C>T on the coding strand, the complement: NOTCH2 is on the minus strand). VCF-style: chr1-119929170-G-A. GRCh37 (hg19) VCF-style: chr1-120471793-G-A.
Other names: short protein forms P1233L.
Identifiers: ClinVar variation 1523050 (VCV001523050.6), dbSNP rs1318131579, ClinGen allele CA341894563.